The following is an entry in ClinVar:

NM_152564.5(VPS13B):c.9170C>G (p.Pro3057Arg)

Gene: VPS13B (vacuolar protein sorting 13 homolog B; plus strand). Cytogenetic location: 8q22.2.
Variant type: single nucleotide variant.
Coding change: c.9170C>G on transcript NM_152564.5 (MANE Select); coding-DNA position 9170, C replaced by G.
Protein change: p.Pro3057Arg; replaces proline 3057 with arginine.
Molecular consequence: missense variant.
Genome position (GRCh38, 1-based): chr8:99,821,469, C>G. VCF-style: chr8-99821469-C-G. GRCh37 (hg19) VCF-style: chr8-100833697-C-G.
Other names: c.9245C>G, p.Pro3082Arg (NM_017890.5); short protein forms P3057R, P3082R.
Identifiers: ClinVar variation 3344451 (VCV003344451.1).
Genomic context (GRCh38, chr8:99,821,469, plus strand): 5'-AAGTTGTGACACTGGATGAAGAAGCGTTTGTTGATACTGAAATAAGACTTGGTGCTTTTC[C>G]AGGACATCAGAAGGTAAGATCAAAGTCTATGTGGCTGGGAGGAAATAGCATGCCATCCCC-3'
Protein context (NP_689777.3, residues 3047-3067): VDTEIRLGAF[Pro3057Arg]GHQKLCQFCI

ClinVar aggregate classification (germline): Uncertain significance (0 of 4 stars; one submission).

Conditions:
VPS13B-related disorder. Also called: VPS13B-related condition.

Submission:

PreventionGenetics, part of Exact Sciences
Classification: Uncertain significance for VPS13B-related condition. Last evaluated: 2024-08-06. Review status: no assertion criteria provided. Collection method: clinical testing. Allele origin: germline.
Comment: The VPS13B c.9170C>G variant is predicted to result in the amino acid substitution p.Pro3057Arg. To our knowledge, this variant has not been reported in the literature or in a large population database, indicating this variant is rare. At this time, the clinical significance of this variant is uncertain due to the absence of conclusive functional and genetic evidence.